The following is an entry in ClinVar:

NM_001329943.3(KIAA0586):c.4323+5C>G

Gene: KIAA0586 (KIAA0586; plus strand). Cytogenetic location: 14q23.1.
Variant type: single nucleotide variant.
Coding change: c.4323+5C>G on transcript NM_001329943.3 (MANE Select); 5 bases into the intron after coding-DNA position 4323, C replaced by G.
Molecular consequence: intron variant.
Genome position (GRCh38, 1-based): chr14:58,508,714, C>G. VCF-style: chr14-58508714-C-G. GRCh37 (hg19) VCF-style: chr14-58975432-C-G.
Other names: c.4482+5C>G (NM_001244189.2); c.4278+5C>G (NM_001244190.2); c.4191+5C>G (NM_001244192.2, NM_001329947.2); c.4068+5C>G (NM_001244191.2, NM_001364701.2, NM_001329945.2 and 1 more transcripts); c.4323+5C>G (NM_001329944.2, NM_001329946.2); c.4095+5C>G (NM_014749.5); c.3903+5C>G (NM_001244193.2).
Identifiers: ClinVar variation 1370598 (VCV001370598.6), dbSNP rs2141431529, ClinGen allele CA2573150074.

ClinVar aggregate classification (germline): Uncertain significance (1 of 4 stars; one submission).

Conditions:
Short-rib thoracic dysplasia 14 with polydactyly (SRTD14). Identifiers: Orphanet 397715, MedGen C4225286, MONDO:0014688, OMIM 616546.
Joubert syndrome 23 (JBTS23). Identifiers: Orphanet 475, MedGen C4084822, MONDO:0014664, OMIM 616490.

Submission:

Labcorp Genetics (formerly Invitae), Labcorp
Classification: Uncertain significance for Joubert syndrome 23; Short-rib thoracic dysplasia 14 with polydactyly. Last evaluated: 2022-01-27. Review status: criteria provided, single submitter. Criteria: Invitae Variant Classification Sherloc (09022015). Collection method: clinical testing. Allele origin: germline.
Comment: In summary, the available evidence is currently insufficient to determine the role of this variant in disease. Therefore, it has been classified as a Variant of Uncertain Significance. Variants that disrupt the consensus splice site are a relatively common cause of aberrant splicing (PMID: 17576681, 9536098). Algorithms developed to predict the effect of sequence changes on RNA splicing suggest that this variant may create or strengthen a splice site. This variant has not been reported in the literature in individuals affected with KIAA0586-related conditions. This variant is not present in population databases (gnomAD no frequency). This sequence change falls in intron 30 of the KIAA0586 gene. It does not directly change the encoded amino acid sequence of the KIAA0586 protein. It affects a nucleotide within the consensus splice site.

Literature cited by the submitters: PubMed 17576681; PubMed 9536098.